The following is an entry in ClinVar:

ClinVar aggregate classification (germline): Uncertain significance. Review status: criteria provided, multiple submitters, no conflicts (2 of 4 stars). 2 submissions from 2 submitters: Uncertain significance (2). Last evaluated 2025-08-02.

Conditions:
Inborn genetic diseases. Identifiers: MedGen C0950123, MeSH D030342.

Allele frequency attached by ClinVar (database versions not stated): gnomAD exomes 0.00003; ExAC 0.00005; gnomAD 0.00017; TOPMed 0.00019; ESP Exome Variant Server 0.00031.
gnomAD v4.1: 67 of 1,598,394 alleles (0.0042%); highest among the groups gnomAD compares: African/African-American, 0.083%; no homozygotes.

Submissions (2):

Ambry Genetics
Classification: Uncertain significance for Inborn genetic diseases. Last evaluated: 2025-08-02. Review status: criteria provided, single submitter. Criteria: Ambry Variant Classification Scheme 2023. Collection method: clinical testing. Allele origin: germline.

Labcorp Genetics (formerly Invitae), Labcorp
Classification: Uncertain significance. Last evaluated: 2022-10-05. Review status: criteria provided, single submitter. Criteria: Invitae Variant Classification Sherloc (09022015). Collection method: clinical testing. Allele origin: germline.
Comment: This sequence change replaces histidine, which is basic and polar, with arginine, which is basic and polar, at codon 105 of the LIFR protein (p.His105Arg). This variant is present in population databases (rs143068676, gnomAD 0.06%). This variant has not been reported in the literature in individuals affected with LIFR-related conditions. Algorithms developed to predict the effect of missense changes on protein structure and function (SIFT, PolyPhen-2, Align-GVGD) all suggest that this variant is likely to be tolerated. In summary, the available evidence is currently insufficient to determine the role of this variant in disease. Therefore, it has been classified as a Variant of Uncertain Significance.

NM_001127671.2(LIFR):c.314A>G (p.His105Arg)

Gene: LIFR (LIF receptor subunit alpha; minus strand). Cytogenetic location: 5p13.1.
Variant type: single nucleotide variant.
Coding change: c.314A>G on transcript NM_001127671.2 (MANE Select); coding-DNA position 314, A replaced by G.
Protein change: p.His105Arg; replaces histidine 105 with arginine.
Molecular consequence: missense variant.
Genome position (GRCh38, 1-based): chr5:38,527,238, T>C on the plus strand (A>G on the coding strand, the complement: LIFR is on the minus strand). VCF-style: chr5-38527238-T-C. GRCh37 (hg19) VCF-style: chr5-38527340-T-C.
Other names: c.314A>G (NM_002310.5); c.314A>G, p.His105Arg (NM_001364297.2, NM_001364298.2, NM_002310.6); short protein forms H105R.
Identifiers: ClinVar variation 2200100 (VCV002200100.2), dbSNP rs143068676, ClinGen allele CA3243261.